The following is an entry in ClinVar:

NM_005609.4(PYGM):c.691G>A (p.Val231Met)

Gene: PYGM (glycogen phosphorylase, muscle associated; minus strand). Cytogenetic location: 11q13.1.
Variant type: single nucleotide variant.
Coding change: c.691G>A on transcript NM_005609.4 (MANE Select); coding-DNA position 691, G replaced by A.
Protein change: p.Val231Met; replaces valine 231 with methionine.
Molecular consequence: missense variant.
Genome position (GRCh38, 1-based): chr11:64,755,528, C>T on the plus strand (G>A on the coding strand, the complement: PYGM is on the minus strand). VCF-style: chr11-64755528-C-T. GRCh37 (hg19) VCF-style: chr11-64523000-C-T.
Other names: c.427G>A, p.Val143Met (NM_001164716.1); short protein forms V143M, V231M.
Identifiers: ClinVar variation 2417548 (VCV002417548.4), dbSNP rs763524554, ClinGen allele CA6080151.

ClinVar aggregate classification (germline): Uncertain significance. Review status: criteria provided, multiple submitters, no conflicts (2 of 4 stars). 2 submissions from 2 submitters: Uncertain significance (2). Last evaluated 2022-08-24.

Conditions:
Glycogen storage disease, type V (GSD5). Also called: MCARDLE DISEASE; MUSCLE GLYCOGEN PHOSPHORYLASE DEFICIENCY; MYOPHOSPHORYLASE DEFICIENCY; PYGM DEFICIENCY; McArdle type glycogen storage disease. Identifiers: Orphanet 368, MedGen C0017924, MONDO:0009293, OMIM 232600.

Allele frequency attached by ClinVar (database versions not stated): ExAC 0.00001.
gnomAD v4.1: 14 of 1,613,948 alleles (0.00087%); highest among the groups gnomAD compares: South Asian, 0.0022%; no homozygotes.

Submissions (2):

Labcorp Genetics (formerly Invitae), Labcorp
Classification: Uncertain significance for Glycogen storage disease, type V. Last evaluated: 2022-08-24. Review status: criteria provided, single submitter. Criteria: Invitae Variant Classification Sherloc (09022015). Collection method: clinical testing. Allele origin: germline.
Comment: This sequence change replaces valine, which is neutral and non-polar, with methionine, which is neutral and non-polar, at codon 231 of the PYGM protein (p.Val231Met). This variant is present in population databases (rs763524554, gnomAD 0.003%). This variant has not been reported in the literature in individuals affected with PYGM-related conditions. Algorithms developed to predict the effect of missense changes on protein structure and function are either unavailable or do not agree on the potential impact of this missense change (SIFT: "Not Available"; PolyPhen-2: "Possibly Damaging"; Align-GVGD: "Not Available"). In summary, the available evidence is currently insufficient to determine the role of this variant in disease. Therefore, it has been classified as a Variant of Uncertain Significance.

Blueprint Genetics
Classification: Uncertain significance. Last evaluated: 2018-09-17. Review status: criteria provided, single submitter. Criteria: ACMG Guidelines, 2015. Collection method: clinical testing. Allele origin: germline.